The following is an entry in ClinVar:

ClinVar aggregate classification (germline): Benign. Review status: criteria provided, multiple submitters, no conflicts (2 of 4 stars). 8 submissions from 8 submitters: Benign (8). Last evaluated 2026-02-03.

Conditions:
Polycystic liver disease 1 (PCLD1). Also called: Polycystic liver disease 1 with or without kidney cysts. Identifiers: Orphanet 2924, MedGen C0887850, MONDO:0008265, OMIM 174050.

Allele frequency attached by ClinVar (database versions not stated): ESP Exome Variant Server 0.16269; gnomAD exomes 0.16914 and 0.20244; 1000 Genomes Project 0.09125; 1000 Genomes Project 30x 0.08651; TOPMed 0.13967; ExAC 0.17332; gnomAD 0.17152.
gnomAD v4.1: 318,003 of 1,613,538 alleles (20%); highest among the groups gnomAD compares: Non-Finnish European, 22%; 34,463 homozygotes.

Submissions (8):

Labcorp Genetics (formerly Invitae), Labcorp
Classification: Benign. Last evaluated: 2026-02-03. Review status: criteria provided, single submitter. Criteria: Invitae Variant Classification Sherloc (09022015). Collection method: clinical testing. Allele origin: germline.

Blueprint Genetics
Classification: Benign. Last evaluated: 2024-11-28. Review status: criteria provided, single submitter. Criteria: ACMG Guidelines, 2015. Collection method: clinical testing. Allele origin: germline.

Mayo Clinic Laboratories, Mayo Clinic
Classification: Benign. Last evaluated: 2022-03-09. Review status: criteria provided, single submitter. Criteria: ACMG Guidelines, 2015. Collection method: clinical testing. Allele origin: germline. Observed: 68 variant alleles.

GeneDx
Classification: Benign. Last evaluated: 2018-07-09. Review status: criteria provided, single submitter. Criteria: GeneDx Variant Classification Process June 2021. Collection method: clinical testing. Allele origin: germline. Affected: yes.

Illumina Laboratory Services, Illumina
Classification: Benign for Polycystic liver disease 1. Last evaluated: 2018-01-12. Review status: criteria provided, single submitter. Criteria: ICSL Variant Classification Criteria 13 December 2019. Collection method: clinical testing. Allele origin: germline.
Comment: This variant was observed in the ICSL laboratory as part of a predisposition screen in an ostensibly healthy population. It had not been previously curated by ICSL or reported in the Human Gene Mutation Database (HGMD: prior to June 1st, 2018), and was therefore a candidate for classification through an automated scoring system. Utilizing variant allele frequency, disease prevalence and penetrance estimates, and inheritance mode, an automated score was calculated to assess if this variant is too frequent to cause the disease. Based on the score and internal cut-off values, a variant classified as benign is not then subjected to further curation. The score for this variant resulted in a classification of benign for this disease.

Eurofins Ntd Llc (ga)
Classification: Benign. Last evaluated: 2015-11-20. Review status: criteria provided, single submitter. Criteria: EGL Classification Definitions 2015. Collection method: clinical testing. Allele origin: germline. Observed: 11 variant alleles, 10 heterozygotes, 1 homozygote.

Breakthrough Genomics
Classification: Benign. Review status: criteria provided, single submitter. Criteria: ACMG Guidelines, 2015. Collection method: not provided. Allele origin: germline. Inheritance: Autosomal dominant inheritance. Affected: yes.

PreventionGenetics, part of Exact Sciences
Classification: Benign. Review status: criteria provided, single submitter. Criteria: ACMG Guidelines, 2015. Collection method: clinical testing. Allele origin: germline.

NM_001289104.2(PRKCSH):c.871G>A (p.Ala291Thr)

Gene: PRKCSH (PRKCSH beta subunit of glucosidase II; plus strand). Cytogenetic location: 19p13.2.
Variant type: single nucleotide variant.
Coding change: c.871G>A on transcript NM_001289104.2 (MANE Select); coding-DNA position 871, G replaced by A.
Protein change: p.Ala291Thr; replaces alanine 291 with threonine.
Molecular consequence: missense variant.
Genome position (GRCh38, 1-based): chr19:11,447,460, G>A. VCF-style: chr19-11447460-G-A. GRCh37 (hg19) VCF-style: chr19-11558275-G-A.
Other names: c.871G>A, p.Ala291Thr (NM_001001329.3, NM_001289102.2, NM_001289103.2 and 3 more transcripts); short protein forms A291T.
Identifiers: ClinVar variation 94079 (VCV000094079.22), dbSNP rs11557488, ClinGen allele CA147588.